The following is an entry in ClinVar:

ClinVar aggregate classification (germline): Pathogenic (1 of 4 stars; one submission).

Conditions:
Autosomal recessive osteopetrosis 5. Identifiers: Orphanet 85179, MedGen C1968603, MONDO:0009817, OMIM 259720.

Allele frequency attached by ClinVar (database versions not stated): gnomAD 0.00001; TOPMed 0.00001.
gnomAD v4.1: 5 of 1,613,624 alleles (0.00031%); highest among the groups gnomAD compares: East Asian, 0.0022%; no homozygotes.

Submission:

Victorian Clinical Genetics Services, Murdoch Childrens Research Institute
Classification: Pathogenic for Autosomal recessive osteopetrosis 5. Last evaluated: 2024-09-23. Review status: criteria provided, single submitter. Criteria: ACMG Guidelines, 2015. Collection method: clinical testing. Allele origin: germline. Inheritance: Autosomal recessive inheritance. Affected: yes.
Comment: Based on the classification scheme VCGS_Germline_v1.3.4, this variant is classified as Pathogenic. Following criteria are met: 0102 - Loss of function is a known mechanism of disease in this gene and is associated with osteopetrosis 5 (MIM#259720). (I) 0106 - This gene is associated with autosomal recessive disease. (I) 0201 - Variant is predicted to cause nonsense-mediated decay (NMD) and loss of protein (premature termination codon is located at least 54 nucleotides upstream of the final exon-exon junction). (SP) 0252 - This variant is homozygous. (I) 0304 - Variant is present in gnomAD <0.01 for a recessive condition (v3: 1 heterozygote, 0 homozygotes). (SP) 0702 - Other variants predicted to cause NMD comparable to the one identified in this case have strong previous evidence for pathogenicity (DECIPHER, ClinVar, PMID: 34753502). (SP) 0807 - This variant has no previous evidence of pathogenicity. (I) 0905 - No published segregation evidence has been identified for this variant. (I) 1007 - No published functional evidence has been identified for this variant. (I) 1101 - Very strong and specific phenotype match for this individual. (I) Legend: (SP) - Supporting pathogenic, (I) - Information, (SB) - Supporting benign

Literature cited by the submitters: PubMed 34753502.

NM_014028.4(OSTM1):c.811C>T (p.Arg271Ter)

Gene: OSTM1 (osteoclastogenesis associated transmembrane protein 1; minus strand). Cytogenetic location: 6q21.
Variant type: single nucleotide variant.
Coding change: c.811C>T on transcript NM_014028.4 (MANE Select); coding-DNA position 811, C replaced by T.
Protein change: p.Arg271Ter; replaces arginine 271 with a stop codon.
Molecular consequence: nonsense.
Genome position (GRCh38, 1-based): chr6:108,049,391, G>A on the plus strand (C>T on the coding strand, the complement: OSTM1 is on the minus strand). VCF-style: chr6-108049391-G-A. GRCh37 (hg19) VCF-style: chr6-108370595-G-A.
Other names: short protein forms R271*.
Identifiers: ClinVar variation 3255027 (VCV003255027.2), dbSNP rs761026137.
Genomic context (GRCh38, chr6:108,049,391, plus strand): 5'-ACACAGAAACAGCAATTACAGGCACTGTGTCACTGCAAGGGACTGAACAGTTGAAAGTTC[G>A]ACTCCATAGTTTTCGAGTGATGTTCATCTGGAACAAGAGCAAACAATATCTTTCTATTTT-3'